The following is an entry in ClinVar:

ClinVar aggregate classification (germline): Uncertain significance. Review status: reviewed by expert panel (3 of 4 stars). 14 submissions from 14 submitters: Uncertain significance (1). 13 of the submissions do not count toward it. Last evaluated 2025-08-01.

Conditions:
Central core myopathy (CMYO1A). Also called: CONGENITAL MYOPATHY 1A, AUTOSOMAL DOMINANT, WITH SUSCEPTIBILITY TO MALIGNANT HYPERTHERMIA; Central core disease; Myopathy, central fibrillar. Identifiers: Orphanet 597, MedGen C5830701, MONDO:0007294, OMIM 117000.
Malignant hyperthermia, susceptibility to, 1 (MHS1). Also called: Malignant hyperthermia suceptibility 1; Anesthesia related hyperthermia; Malignant hyperpyrexia; Fulminating hyperpyrexia; Pharmacogenic myopathy; RYR1-Related Malignant Hyperthermia Susceptibility. Identifiers: Orphanet 423, MedGen C2930980, MONDO:0007783, OMIM 145600.
King Denborough syndrome (KDS). Identifiers: MedGen C1840365, MONDO:0020485, OMIM 619542.
Congenital multicore myopathy with external ophthalmoplegia (CMYO1B). Also called: MULTICORE MYOPATHY; MULTIMINICORE DISEASE WITH EXTERNAL OPHTHALMOPLEGIA; Congenital myopathy 1B, autosomal recessive; Minicore myopathy; Minicore myopathy with external ophthalmoplegia. Identifiers: Orphanet 598, Orphanet 98905, MedGen C1850674, MONDO:0009712, OMIM 255320, HP:0003789.
RYR1-related disorder. Also called: RYR1-related condition; RYR1-related disorders. Identifiers: MedGen CN239331.

Allele frequency attached by ClinVar (database versions not stated): gnomAD 0.00001; gnomAD exomes 0.00001 and 0.00002; ExAC 0.00002; TOPMed 0.00002; ESP Exome Variant Server 0.00015.
gnomAD v4.1: 24 of 1,614,046 alleles (0.0015%); highest among the groups gnomAD compares: East Asian, 0.0045%; no homozygotes.

Submissions (14):

ClinGen Malignant Hyperthermia Susceptibility Variant Curation Expert Panel, ClinGen
Classification: Uncertain significance for Malignant hyperthermia, susceptibility to, 1. Last evaluated: 2025-08-01. Review status: reviewed by expert panel. Criteria: ClinGen MHS ACMG Specifications V2. Collection method: curation. Allele origin: germline. Inheritance: Autosomal dominant inheritance.
Comment: This pathogenicity assessment is relevant only for malignant hyperthermia susceptibility (MHS) inherited in an autosomal dominant pattern. Variants in RYR1 can also cause other myopathies inherited in an autosomal dominant pattern or in an autosomal recessive pattern. Some of these disorders may predispose individuals to malignant hyperthermia. RYR1 variants may also contribute to a malignant hyperthermia reaction in combination with other genetic and non-genetic factors and the clinician needs to consider such factors in making management decisions. This sequence variant predicts a substitution of arginine with tryptophan at codon 4041 of the RYR1 protein, p.(Arg4041Trp). The maximum allele frequency for this variant among the six major gnomAD populations is NFE: 0.000026, a frequency consistent with pathogenicity for MHS. This variant has been reported in an individual without a clear personal or family history of an MH episode, the individual had a positive in vitro contracture test (IVCT) result, this does not meet PS4 (PMID:16835904). No functional studies were identified for this variant. This variant does not reside in a hotspot for pathogenic variants that contribute to MHS. A REVEL score <0.5 (0.435) supports a benign status for this variant, BP4. This variant has been classified as a Variant of Unknown Significance. Criteria implemented: BP4.

Color Diagnostics, LLC DBA Color Health
Classification: Uncertain significance for Malignant hyperthermia, susceptibility to, 1. Last evaluated: 2025-05-28. Review status: criteria provided, single submitter. Criteria: ACMG Guidelines, 2015. Collection method: clinical testing. Allele origin: germline. Not counted in ClinVar's aggregate classification.
Comment: This missense variant replaces arginine with tryptophan at codon 4041 of the RYR1 protein. Computational prediction suggests that this variant may not impact protein structure and function. To our knowledge, functional studies have not been reported for this variant. This variant has been reported in an individual affected with malignant hyperthermia susceptibility (PMID: 16835904). This variant has been identified in 3/251464 chromosomes in the general population by the Genome Aggregation Database (gnomAD). The available evidence is insufficient to determine the role of this variant in disease conclusively. Therefore, this variant is classified as a Variant of Uncertain Significance.

Labcorp Genetics (formerly Invitae), Labcorp
Classification: Uncertain significance for RYR1-related disorder. Last evaluated: 2024-12-18. Review status: criteria provided, single submitter. Criteria: Invitae Variant Classification Sherloc (09022015). Collection method: clinical testing. Allele origin: germline. Not counted in ClinVar's aggregate classification.
Comment: This sequence change replaces arginine, which is basic and polar, with tryptophan, which is neutral and slightly polar, at codon 4041 of the RYR1 protein (p.Arg4041Trp). This variant is present in population databases (rs144685735, gnomAD 0.002%). This missense change has been observed in individual(s) with malignant hyperthermia (PMID: 16835904). ClinVar contains an entry for this variant (Variation ID: 133032). Invitae Evidence Modeling of protein sequence and biophysical properties (such as structural, functional, and spatial information, amino acid conservation, physicochemical variation, residue mobility, and thermodynamic stability) indicates that this missense variant is expected to disrupt RYR1 protein function with a positive predictive value of 80%. In summary, the available evidence is currently insufficient to determine the role of this variant in disease. Therefore, it has been classified as a Variant of Uncertain Significance.

CeGaT Center for Human Genetics Tuebingen
Classification: Uncertain significance. Last evaluated: 2024-09-01. Review status: criteria provided, single submitter. Criteria: CeGaT Center For Human Genetics Tuebingen Variant Classification Criteria Version 2. Collection method: clinical testing. Allele origin: germline. Affected: yes. Observed: 1 variant allele. Not counted in ClinVar's aggregate classification.
Comment: RYR1: PM2

Women's Health and Genetics/Laboratory Corporation of America, LabCorp
Classification: Uncertain significance. Last evaluated: 2024-05-14. Review status: criteria provided, single submitter. Criteria: LabCorp Variant Classification Summary - May 2015. Collection method: clinical testing. Allele origin: germline. Not counted in ClinVar's aggregate classification.
Comment: Variant summary: RYR1 c.12121C>T (p.Arg4041Trp) results in a non-conservative amino acid change in the encoded protein sequence. Four of five in-silico tools predict a damaging effect of the variant on protein function. The variant allele was found at a frequency of 1.2e-05 in 251464 control chromosomes. The available data on variant occurrences in the general population are insufficient to allow any conclusion about variant significance. c.12121C>T has been reported in the literature in at least one individual affected with Malignant Hyperthermia Susceptibility (Galli_2006). These data do not allow any conclusion about variant significance. To our knowledge, no experimental evidence demonstrating an impact on protein function has been reported. The following publication has been ascertained in the context of this evaluation (PMID: 16835904). ClinVar contains an entry for this variant (Variation ID: 133032). Based on the evidence outlined above, the variant was classified as uncertain significance.

Molecular Genetics, Royal Melbourne Hospital
Classification: Uncertain significance for Malignant hyperthermia, susceptibility to, 1. Last evaluated: 2024-04-11. Review status: criteria provided, single submitter. Criteria: ACMG Guidelines, 2015. Collection method: clinical testing. Allele origin: germline. Affected: yes. Not counted in ClinVar's aggregate classification.
Comment: This sequence change in RYR1 is predicted to replace arginine with tryptophan at codon 4041, p.(Arg4041Trp). The arginine residue is highly conserved (100 vertebrates, UCSC), and is located in exon 89 upstream of the C-terminal region hotspot. There is a large physicochemical difference between arginine and tryptophan. The highest population minor allele frequency in the population database gnomAD v2.1 is 0.003% (3/113,746 alleles) in the European (non-Finnish) population, which is consistent with malignant hyperthermia. This variant has been identified in at least two probands with positive in vitro contracture test (IVCT) results, although a malignant hyperthermia (MH) event has only been confirmed in one of the individuals (PMID: 16835904; Royal Melbourne Hospital). The variant has been reported to segregate with RYR1-related disease in two families (PMID: 16835904; Invitae - ClinVar: SCV001389012.3). Multiple lines of computational evidence have conflicting predictions for the missense substitution (3/5 algorithms predict deleterious). Based on the classification scheme RMH Modified ACMG Guidelines v1.5.1, this variant is classified as a VARIANT OF UNCERTAIN SIGNIFICANCE. Following criteria are met: PP1_Moderate, PS4_Supporting.

Blueprint Genetics
Classification: Uncertain significance. Last evaluated: 2024-01-15. Review status: criteria provided, single submitter. Criteria: ACMG Guidelines, 2015. Collection method: clinical testing. Allele origin: germline. Not counted in ClinVar's aggregate classification.

All of Us Research Program, National Institutes of Health
Classification: Uncertain significance for Malignant hyperthermia, susceptibility to, 1. Last evaluated: 2023-12-01. Review status: criteria provided, single submitter. Criteria: ACMG Guidelines, 2015. Collection method: clinical testing. Allele origin: germline. Inheritance: Autosomal dominant inheritance. Observed: 5 variant alleles, 5 heterozygotes. Not counted in ClinVar's aggregate classification.
Comment: This missense variant replaces arginine with tryptophan at codon 4041 of the RYR1 protein. Computational prediction suggests that this variant may not impact protein structure and function (internally defined REVEL score threshold <= 0.5, PMID: 27666373). To our knowledge, functional studies have not been reported for this variant. This variant has been reported in an individual affected with malignant hyperthermia susceptibility (PMID: 16835904). This variant has been identified in 3/251464 chromosomes in the general population by the Genome Aggregation Database (gnomAD). The available evidence is insufficient to determine the role of this variant in disease conclusively. Therefore, this variant is classified as a Variant of Uncertain Significance.

This study involves interpretation of variants in research participants for the purpose of population health screening. Participant phenotype was not available at the time of variant classification. Additional details can be found in publication PMID: 35346344, PMCID: PMC8962531

GeneDx
Classification: Uncertain significance. Last evaluated: 2022-10-07. Review status: criteria provided, single submitter. Criteria: GeneDx Variant Classification Process June 2021. Collection method: clinical testing. Allele origin: germline. Affected: yes. Not counted in ClinVar's aggregate classification.
Comment: Not observed at a significant frequency in large population cohorts (gnomAD); In silico analysis, which includes protein predictors and evolutionary conservation, supports a deleterious effect; This variant is associated with the following publications: (PMID: 25637381, 24055113, 16835904)

Revvity Omics, Revvity
Classification: Uncertain significance. Last evaluated: 2019-07-18. Review status: criteria provided, single submitter. Criteria: ACMG Guidelines, 2015. Collection method: clinical testing. Allele origin: germline. Not counted in ClinVar's aggregate classification.

Eurofins Ntd Llc (ga)
Classification: Uncertain significance. Last evaluated: 2015-04-15. Review status: criteria provided, single submitter. Criteria: EGL Classification Definitions 2015. Collection method: clinical testing. Allele origin: germline. Observed: 1 variant allele, 1 heterozygote. Not counted in ClinVar's aggregate classification.

Juno Genomics, Hangzhou Juno Genomics, Inc
Classification: Uncertain significance for Congenital multicore myopathy with external ophthalmoplegia; Central core myopathy; Malignant hyperthermia, susceptibility to, 1; King Denborough syndrome. Review status: criteria provided, single submitter. Criteria: ACMG Guidelines, 2015. Collection method: clinical testing. Allele origin: germline. Affected: yes. Not counted in ClinVar's aggregate classification.
Comment: For recessive disorders, detected in trans with a pathogenic variant.

CSER _CC_NCGL, University of Washington
Classification: Uncertain significance for Malignant hyperthermia. Last evaluated: 2014-06-01. Review status: no assertion criteria provided. Collection method: research. Allele origin: germline. Inheritance: Autosomal dominant inheritance. Study: ESP 6500 variant annotation. Not counted in ClinVar's aggregate classification.
Comment: Variants classified for the Actionable exomic incidental findings in 6503 participants: challenges of variant classification manuscript

RYR1 database
No classification provided. Review status: no classification provided. Collection method: not provided. Allele origin: unknown. Not counted in ClinVar's aggregate classification.

Literature cited by the submitters: PubMed 16835904 (cited by 5 submitters).

NM_000540.3(RYR1):c.12121C>T (p.Arg4041Trp)

Gene: RYR1 (ryanodine receptor 1; plus strand). Cytogenetic location: 19q13.2.
Variant type: single nucleotide variant.
Coding change: c.12121C>T on transcript NM_000540.3 (MANE Select); coding-DNA position 12121, C replaced by T.
Protein change: p.Arg4041Trp; replaces arginine 4041 with tryptophan.
Molecular consequence: missense variant.
Genome position (GRCh38, 1-based): chr19:38,548,259, C>T. VCF-style: chr19-38548259-C-T. GRCh37 (hg19) VCF-style: chr19-39038899-C-T.
Other names: NM_000540.3(RYR1):c.12121C>T; c.12121C>T (NM_000540.2); c.12106C>T, p.Arg4036Trp (NM_001042723.2); short protein forms R4041W, R4036W.
Identifiers: ClinVar variation 133032 (VCV000133032.40), dbSNP rs144685735, ClinGen allele CA023969.